The following is an entry in ClinVar:

ClinVar aggregate classification (germline): Conflicting classifications of pathogenicity. Review status: criteria provided, conflicting classifications (1 of 4 stars). 2 submissions from 2 submitters: Uncertain significance (1); Likely benign (1). Last evaluated 2018-01-12.

Conditions:
Inherited glutathione synthetase deficiency. Identifiers: Orphanet 32, MedGen C5979912, MONDO:0017909.

Allele frequency attached by ClinVar (database versions not stated): TOPMed 0.00026; 1000 Genomes Project 30x 0.00047; gnomAD 0.00051 and 0.00052.

Submissions (2):

Illumina Laboratory Services, Illumina
Classification: Uncertain significance for Glutathione synthetase deficiency with 5-oxoprolinuria. Last evaluated: 2018-01-12. Review status: criteria provided, single submitter. Criteria: ICSL Variant Classification Criteria 13 December 2019. Collection method: clinical testing. Allele origin: germline.

GeneDx
Classification: Likely benign. Last evaluated: 2016-06-03. Review status: criteria provided, single submitter. Criteria: GeneDx Variant Classification (06012015). Collection method: clinical testing. Allele origin: germline. Affected: yes.
Comment: This variant is considered likely benign or benign based on one or more of the following criteria: it is a conservative change, it occurs at a poorly conserved position in the protein, it is predicted to be benign by multiple in silico algorithms, and/or has population frequency not consistent with disease.

NM_000178.4(GSS):c.-46A>G

Gene: GSS (glutathione synthetase; minus strand). Cytogenetic location: 20q11.22.
Variant type: single nucleotide variant.
Coding change: c.-46A>G on transcript NM_000178.4 (MANE Select); 46 bases upstream of the start codon, A replaced by G.
Molecular consequence: 5 prime UTR variant. On other transcripts: intron variant (1).
Genome position (GRCh38, 1-based): chr20:34,955,764, T>C on the plus strand (A>G on the coding strand, the complement: GSS is on the minus strand). VCF-style: chr20-34955764-T-C. GRCh37 (hg19) VCF-style: chr20-33543567-T-C.
Other names: c.-46A>G (LRG_1168t1); c.-9+106A>G (NM_001322494.1).
Identifiers: ClinVar variation 338306 (VCV000338306.5), dbSNP rs886056642, ClinGen allele CA10649656.
Genomic context (GRCh38, chr20:34,955,764, plus strand): 5'-CCGCCGTGGCCGCCCCAACCTACTAGTTCGCCTTTCCTCCGCGAACGGTTCTCCCGGCCC[T>C]CGCGCCGCTACCCAGGCTCAGGGGGCGGGGCCTCGATGCGACCCAGTGCGCTTGCGCTGA-3'